The following is an entry in ClinVar:

ClinVar aggregate classification (germline): Benign. Review status: criteria provided, multiple submitters, no conflicts (2 of 4 stars). 4 submissions from 4 submitters: Benign (3). 1 of the submissions does not count toward it. Last evaluated 2026-02-03.

Conditions:
RBFOX1-related disorder. Also called: RBFOX1-related condition.
Idiopathic generalized epilepsy. Also called: EIG; Generalised epilepsy. Identifiers: MedGen C0270850, MONDO:0005579, OMIM 600669.

Allele frequency attached by ClinVar (database versions not stated): 1000 Genomes Project 30x 0.01452; TOPMed 0.01491; 1000 Genomes Project 0.01558; ESP Exome Variant Server 0.01685; gnomAD 0.01704 and 0.01752; ExAC 0.02003; gnomAD exomes 0.02049.
gnomAD v4.1: 38,685 of 1,610,716 alleles (2.4%); highest among the groups gnomAD compares: Middle Eastern, 3.6%; 602 homozygotes.

Submissions (4):

Labcorp Genetics (formerly Invitae), Labcorp
Classification: Benign for Idiopathic generalized epilepsy. Last evaluated: 2026-02-03. Review status: criteria provided, single submitter. Criteria: Invitae Variant Classification Sherloc (09022015). Collection method: clinical testing. Allele origin: germline.

Athena Diagnostics
Classification: Benign. Last evaluated: 2017-07-12. Review status: criteria provided, single submitter. Criteria: Athena Diagnostics Criteria. Collection method: clinical testing. Allele origin: germline.

Breakthrough Genomics
Classification: Benign. Review status: criteria provided, single submitter. Criteria: ACMG Guidelines, 2015. Collection method: not provided. Allele origin: germline. Inheritance: Unknown mechanism. Affected: yes.

PreventionGenetics, part of Exact Sciences
Classification: Benign for RBFOX1-related condition. Last evaluated: 2019-05-29. Review status: no assertion criteria provided. Collection method: clinical testing. Allele origin: germline. Not counted in ClinVar's aggregate classification.
Comment: This variant is classified as benign based on ACMG/AMP sequence variant interpretation guidelines (Richards et al. 2015 PMID: 25741868, with internal and published modifications).

NM_018723.4(RBFOX1):c.1071+3G>A

Genes: RBFOX1 (RNA binding fox-1 homolog 1; plus strand), LOC126862279 (MED14-independent group 3 enhancer GRCh37_chr16:7758954-7760153; plus strand). Cytogenetic location: 16p13.3.
Variant type: single nucleotide variant.
Coding change: c.1071+3G>A on transcript NM_018723.4 (MANE Select); 3 bases into the intron after coding-DNA position 1071, G replaced by A.
Molecular consequence: intron variant.
Genome position (GRCh38, 1-based): chr16:7,709,134, G>A. VCF-style: chr16-7709134-G-A. GRCh37 (hg19) VCF-style: chr16-7759136-G-A.
Other names: c.1124+3G>A (NM_001364800.2); c.990+3G>A (NM_001142333.2); c.1200+3G>A (NM_001308117.1); c.1071+3G>A (NM_001142334.2); c.1187+3G>A (NM_145893.3); c.1134+3G>A (NM_145891.3, NM_145892.3).
Identifiers: ClinVar variation 241954 (VCV000241954.14), dbSNP rs79369633, ClinGen allele CA7891972.